The following is an entry in ClinVar:

NM_002449.5(MSX2):c.*15A>G

Gene: MSX2 (msh homeobox 2; plus strand). Cytogenetic location: 5q35.2.
Variant type: single nucleotide variant.
Coding change: c.*15A>G on transcript NM_002449.5 (MANE Select); 15 bases downstream of the stop codon, A replaced by G.
Molecular consequence: 3 prime UTR variant.
Genome position (GRCh38, 1-based): chr5:174,729,598, A>G. VCF-style: chr5-174729598-A-G. GRCh37 (hg19) VCF-style: chr5-174156601-A-G.
Other names: c.*443A>G (NM_001363626.2).
Identifiers: ClinVar variation 4688194 (VCV004688194.1).
Genomic context (GRCh38, chr5:174,729,598, plus strand): 5'-ACTCTATGCCACGCCAGTGGGATATGGCATGTACCACCTGTCCTAAGGAAGACCAGATCA[A>G]TAGACTCCATGATGGATGCTTGTTTCAAAGGGTTTCCTCTCCCTCTCCACGAAGGCAGTA-3'

ClinVar aggregate classification (germline): Uncertain significance (1 of 4 stars; one submission).

gnomAD v4.1: 31 of 1,605,566 alleles (0.0019%); highest among the groups gnomAD compares: African/African-American, 0.037%; no homozygotes.

Submission:

Women's Health and Genetics/Laboratory Corporation of America, LabCorp
Classification: Uncertain significance. Last evaluated: 2025-12-30. Review status: criteria provided, single submitter. Criteria: LabCorp Variant Classification Summary - May 2015. Collection method: clinical testing. Allele origin: germline.
Comment: Variant summary: MSX2 c.*15A>G is located in the untranslated mRNA region downstream of the termination codon. The variant allele was found at a frequency of 2.5e-05 in 243476 control chromosomes. The available data on variant occurrences in the general population are insufficient to allow any conclusion about variant significance. To our knowledge, no occurrence of c.*15A>G in individuals affected with MSX2-related conditions and no experimental evidence demonstrating its impact on protein function have been reported. No submitters have cited clinical-significance assessments for this variant to ClinVar. Based on the evidence outlined above, the variant was classified as uncertain significance.